The following is an entry in ClinVar:

ClinVar aggregate classification (germline): Uncertain significance (1 of 4 stars; one submission).

Conditions:
Familial intrahepatic cholestasis. Identifiers: Orphanet 284385, MedGen CN296401, MONDO:0017290.

Submission:

Genomenon, Inc
Classification: Uncertain significance for Familial intrahepatic cholestasis. Last evaluated: 2026-04-14. Review status: criteria provided, single submitter. Criteria: Genomenon Sequence Variant Interpretation Standards - Updated. Collection method: curation. Allele origin: germline. Affected: no.
Comment: ATP8B1 p.Met340Val (c.1018A>G) is a missense variant that changes the amino acid at residue 340 from Methionine to Valine. This variant has been reported in the published literature (PMID:24627769). It is absent or not present at a significant frequency in gnomAD. In conclusion, we classify ATP8B1 p.Met340Val (c.1018A>G) as a variant of uncertain significance.

Literature cited by the submitters: PubMed 24627769.

NM_001374385.1(ATP8B1):c.1018A>G (p.Met340Val)

Genes: ATP8B1 (ATPase phospholipid transporting 8B1; minus strand), LOC126862761 (CDK7 strongly-dependent group 2 enhancer GRCh37_chr18:55360919-55362118; plus strand). Cytogenetic location: 18q21.31.
Variant type: single nucleotide variant.
Coding change: c.1018A>G on transcript NM_001374385.1 (MANE Select); coding-DNA position 1018, A replaced by G.
Protein change: p.Met340Val; replaces methionine 340 with valine.
Molecular consequence: missense variant.
Genome position (GRCh38, 1-based): chr18:57,694,593, T>C on the plus strand (A>G on the coding strand, the complement: ATP8B1 is on the minus strand). VCF-style: chr18-57694593-T-C. GRCh37 (hg19) VCF-style: chr18-55361825-T-C.
Other names: c.868A>G, p.Met290Val (NM_001374386.1); c.1018A>G, p.Met340Val (NM_005603.6); short protein forms M290V, M340V.
Identifiers: ClinVar variation 4846259 (VCV004846259.1).